The following is an entry in ClinVar:

ClinVar aggregate classification (germline): Likely benign (1 of 4 stars; one submission).

Submission:

CeGaT Center for Human Genetics Tuebingen
Classification: Likely benign. Last evaluated: 2025-04-01. Review status: criteria provided, single submitter. Criteria: CeGaT Center For Human Genetics Tuebingen Variant Classification Criteria Version 2. Collection method: clinical testing. Allele origin: germline. Affected: yes. Observed: 1 variant allele.
Comment: TRAK1: BP3

NM_001042646.3(TRAK1):c.1963+100_1963+102del

Gene: TRAK1 (trafficking kinesin protein 1; plus strand). Cytogenetic location: 3p22.1.
Variant type: Deletion.
Coding change: c.1963+100_1963+102del on transcript NM_001042646.3 (MANE Select); bases 100 to 102 of the intron after coding-DNA position 1963, 3 bases deleted (CGG; older notation c.1963+100_1963+102delCGG).
Molecular consequence: intron variant. On other transcripts: inframe indel (3).
Genome position (GRCh38, 1-based): chr3:42,210,085-42,210,087, CGG deleted. VCF-style (leftmost placement, unchanged base first): chr3-42210084-ACGG-A. GRCh37 (hg19) VCF-style: chr3-42251576-ACGG-A.
Other names: c.2063_2065del, p.Thr688_Glu689delinsLys (NM_001265608.2); c.1841_1843del, p.Thr614_Glu615delinsLys (NM_001265609.2); c.1889_1891del, p.Thr630_Glu631delinsLys (NM_014965.5); c.1588+163_1588+165del (NM_001349245.1); c.1963+100_1963+102del (NM_001349247.2); c.1900+163_1900+165del (NM_001349246.2); c.1741+100_1741+102del (NM_001349249.1); c.1678+163_1678+165del (NM_001349248.1); and 1 more.
Identifiers: ClinVar variation 3898604 (VCV003898604.7).